The following is an entry in ClinVar:

NM_000405.5(GM2A):c.538C>A (p.Arg180Ser)

Gene: GM2A (ganglioside GM2 activator; plus strand). Cytogenetic location: 5q33.1.
Variant type: single nucleotide variant.
Coding change: c.538C>A on transcript NM_000405.5 (MANE Select); coding-DNA position 538, C replaced by A.
Protein change: p.Arg180Ser; replaces arginine 180 with serine.
Molecular consequence: missense variant. On other transcripts: intron variant (1).
Genome position (GRCh38, 1-based): chr5:151,267,407, C>A. VCF-style: chr5-151267407-C-A. GRCh37 (hg19) VCF-style: chr5-150646968-C-A.
Other names: c.413-85C>A (NM_001167607.3); c.538C>A (NM_000405.4); short protein forms R180S.
Identifiers: ClinVar variation 1376354 (VCV001376354.4), dbSNP rs771081390, ClinGen allele CA361808770.

ClinVar aggregate classification (germline): Uncertain significance. Review status: criteria provided, multiple submitters, no conflicts (2 of 4 stars). 2 submissions from 2 submitters: Uncertain significance (2). Last evaluated 2021-12-08.

Conditions:
Tay-Sachs disease, variant AB. Also called: Gm2-gangliosidosis, ab variant; GM2 Activator Deficiency. Identifiers: Orphanet 309246, MedGen C0268275, MONDO:0010099, OMIM 272750.
Inborn genetic diseases. Identifiers: MedGen C0950123, MeSH D030342.

Submissions (2):

Ambry Genetics
Classification: Uncertain significance for Inborn genetic diseases. Last evaluated: 2021-12-08. Review status: criteria provided, single submitter. Criteria: Ambry Variant Classification Scheme 2023. Collection method: clinical testing. Allele origin: germline.

Labcorp Genetics (formerly Invitae), Labcorp
Classification: Uncertain significance for Tay-Sachs disease, variant AB. Last evaluated: 2021-11-24. Review status: criteria provided, single submitter. Criteria: Invitae Variant Classification Sherloc (09022015). Collection method: clinical testing. Allele origin: germline.
Comment: This sequence change replaces arginine, which is basic and polar, with serine, which is neutral and polar, at codon 180 of the GM2A protein (p.Arg180Ser). This variant is present in population databases (no rsID available, gnomAD 0.009%). This variant has not been reported in the literature in individuals affected with GM2A-related conditions. Algorithms developed to predict the effect of missense changes on protein structure and function are either unavailable or do not agree on the potential impact of this missense change (SIFT: "Deleterious"; PolyPhen-2: "Probably Damaging"; Align-GVGD: "Class C15"). In summary, the available evidence is currently insufficient to determine the role of this variant in disease. Therefore, it has been classified as a Variant of Uncertain Significance.